The following is an entry in ClinVar:

NM_015072.5(TTLL5):c.53A>G (p.Asp18Gly)

Gene: TTLL5 (tubulin tyrosine ligase like 5; plus strand). Cytogenetic location: 14q24.3.
Variant type: single nucleotide variant.
Coding change: c.53A>G on transcript NM_015072.5 (MANE Select); coding-DNA position 53, A replaced by G.
Protein change: p.Asp18Gly; replaces aspartic acid 18 with glycine.
Molecular consequence: missense variant.
Genome position (GRCh38, 1-based): chr14:75,663,202, A>G. VCF-style: chr14-75663202-A-G. GRCh37 (hg19) VCF-style: chr14-76129545-A-G.
Other names: short protein forms D18G.
Identifiers: ClinVar variation 934114 (VCV000934114.6), dbSNP rs776534405, ClinGen allele CA7278781.

ClinVar aggregate classification (germline): Uncertain significance. Review status: criteria provided, multiple submitters, no conflicts (2 of 4 stars). 2 submissions from 2 submitters: Uncertain significance (2). Last evaluated 2024-11-21.

Allele frequency attached by ClinVar (database versions not stated): gnomAD exomes 0.00004; ExAC 0.00006; TOPMed 0.00008.
gnomAD v4.1: 50 of 1,613,192 alleles (0.0031%); highest among the groups gnomAD compares: Non-Finnish European, 0.0042%; no homozygotes.

Submissions (2):

Blueprint Genetics
Classification: Uncertain significance. Last evaluated: 2024-11-21. Review status: criteria provided, single submitter. Criteria: ACMG Guidelines, 2015. Collection method: clinical testing. Allele origin: germline.

Labcorp Genetics (formerly Invitae), Labcorp
Classification: Uncertain significance. Last evaluated: 2022-10-25. Review status: criteria provided, single submitter. Criteria: Invitae Variant Classification Sherloc (09022015). Collection method: clinical testing. Allele origin: germline.
Comment: This sequence change replaces aspartic acid, which is acidic and polar, with glycine, which is neutral and non-polar, at codon 18 of the TTLL5 protein (p.Asp18Gly). This variant is present in population databases (rs776534405, gnomAD 0.007%). This variant has not been reported in the literature in individuals affected with TTLL5-related conditions. ClinVar contains an entry for this variant (Variation ID: 934114). Advanced modeling of protein sequence and biophysical properties (such as structural, functional, and spatial information, amino acid conservation, physicochemical variation, residue mobility, and thermodynamic stability) performed at Invitae indicates that this missense variant is not expected to disrupt TTLL5 protein function. Algorithms developed to predict the effect of sequence changes on RNA splicing suggest that this variant may create or strengthen a splice site. In summary, the available evidence is currently insufficient to determine the role of this variant in disease. Therefore, it has been classified as a Variant of Uncertain Significance.